The following is an entry in ClinVar:

NM_000023.4(SGCA):c.509T>C (p.Leu170Pro)

Gene: SGCA (sarcoglycan alpha; plus strand). Cytogenetic location: 17q21.33.
Variant type: single nucleotide variant.
Coding change: c.509T>C on transcript NM_000023.4 (MANE Select); coding-DNA position 509, T replaced by C.
Protein change: p.Leu170Pro; replaces leucine 170 with proline.
Molecular consequence: missense variant. On other transcripts: non-coding transcript variant (1).
Genome position (GRCh38, 1-based): chr17:50,168,497, T>C. VCF-style: chr17-50168497-T-C. GRCh37 (hg19) VCF-style: chr17-48245858-T-C.
Other names: c.509T>C, p.Leu170Pro (NM_001135697.3); short protein forms L170P.
Identifiers: ClinVar variation 3896998 (VCV003896998.1).

ClinVar aggregate classification (germline): Uncertain significance (1 of 4 stars; one submission).

Conditions:
Autosomal recessive limb-girdle muscular dystrophy type 2D (LGMDR3). Also called: MUSCULAR DYSTROPHY, LIMB-GIRDLE, AUTOSOMAL RECESSIVE 3; DUCHENNE-LIKE AUTOSOMAL RECESSIVE MUSCULAR DYSTROPHY, TYPE 2; ADHALINOPATHY, PRIMARY. Identifiers: Orphanet 62, MedGen C2936332, MONDO:0011968, OMIM 608099. Disease mechanism: Affects gamma-sarcoglycan and also disrupts the integrity of the entire sarcoglycan complex..

Submission:

Kariminejad - Najmabadi Pathology & Genetics Center
Classification: Uncertain significance for Autosomal recessive limb-girdle muscular dystrophy type 2D. Last evaluated: 2019-02-23. Review status: criteria provided, single submitter. Criteria: ACMG Guidelines, 2015. Collection method: clinical testing. Allele origin: germline. Inheritance: Autosomal recessive inheritance. Affected: yes.
Comment: PM2,PP3